The following is an entry in ClinVar:

NM_004260.4(RECQL4):c.1579A>G (p.Thr527Ala)

Gene: RECQL4 (RecQ like helicase 4; minus strand). Cytogenetic location: 8q24.3.
Variant type: single nucleotide variant.
Coding change: c.1579A>G on transcript NM_004260.4 (MANE Select); coding-DNA position 1579, A replaced by G.
Protein change: p.Thr527Ala; replaces threonine 527 with alanine.
Molecular consequence: missense variant.
Genome position (GRCh38, 1-based): chr8:144,514,977, T>C on the plus strand (A>G on the coding strand, the complement: RECQL4 is on the minus strand). VCF-style: chr8-144514977-T-C. GRCh37 (hg19) VCF-style: chr8-145740361-T-C.
Other names: short protein forms T527A.
Identifiers: ClinVar variation 1057912 (VCV001057912.8), dbSNP rs760080894, ClinGen allele CA4948796.
Genomic context (GRCh38, chr8:144,514,977, plus strand): 5'-CAGGGCCCTGTGTGCACACCTGGTCATCCATGAGTGACAGCAGGGGAGAGACGACCAACG[T>C]GAGGCAGGGGCTGCGCCGGCTGTAGAGCAGCGCTGGGAGCTGGTAGCACAGGGACTTGCC-3'
Protein context (NP_004251.4, residues 517-537): LLYSRRSPCL[Thr527Ala]LVVSPLLSLM

ClinVar aggregate classification (germline): Uncertain significance. Review status: criteria provided, multiple submitters, no conflicts (2 of 4 stars). 3 submissions from 3 submitters: Uncertain significance (3). Last evaluated 2024-12-26.

Conditions:
Inborn genetic diseases. Identifiers: MedGen C0950123, MeSH D030342.
Baller-Gerold syndrome (BGS). Also called: CRANIOSYNOSTOSIS WITH RADIAL DEFECTS. Identifiers: Orphanet 1225, MedGen C0265308, MONDO:0009039, OMIM 218600.

Allele frequency attached by ClinVar (database versions not stated): gnomAD 0.00001; gnomAD exomes 0.00001 and 0.00003; TOPMed 0.00001; ExAC 0.00002.
gnomAD v4.1: 42 of 1,611,782 alleles (0.0026%); highest among the groups gnomAD compares: Non-Finnish European, 0.0034%; no homozygotes.

Submissions (3):

Ambry Genetics
Classification: Uncertain significance for Inborn genetic diseases. Last evaluated: 2024-12-26. Review status: criteria provided, single submitter. Criteria: Ambry Variant Classification Scheme 2023. Collection method: clinical testing. Allele origin: germline.
Comment: The p.T527A variant (also known as c.1579A>G), located in coding exon 9 of the RECQL4 gene, results from an A to G substitution at nucleotide position 1579. The threonine at codon 527 is replaced by alanine, an amino acid with similar properties. This amino acid position is conserved. In addition, the in silico prediction for this alteration is inconclusive. Based on the available evidence, the clinical significance of this variant remains unclear.

Labcorp Genetics (formerly Invitae), Labcorp
Classification: Uncertain significance for Baller-Gerold syndrome. Last evaluated: 2024-09-16. Review status: criteria provided, single submitter. Criteria: Invitae Variant Classification Sherloc (09022015). Collection method: clinical testing. Allele origin: germline.
Comment: This sequence change replaces threonine, which is neutral and polar, with alanine, which is neutral and non-polar, at codon 527 of the RECQL4 protein (p.Thr527Ala). This variant is present in population databases (rs760080894, gnomAD 0.002%). This variant has not been reported in the literature in individuals affected with RECQL4-related conditions. ClinVar contains an entry for this variant (Variation ID: 1057912). Invitae Evidence Modeling of protein sequence and biophysical properties (such as structural, functional, and spatial information, amino acid conservation, physicochemical variation, residue mobility, and thermodynamic stability) indicates that this missense variant is not expected to disrupt RECQL4 protein function with a negative predictive value of 80%. In summary, the available evidence is currently insufficient to determine the role of this variant in disease. Therefore, it has been classified as a Variant of Uncertain Significance.

GeneDx
Classification: Uncertain significance. Last evaluated: 2019-08-09. Review status: criteria provided, single submitter. Criteria: GeneDx Variant Classification Process June 2021. Collection method: clinical testing. Allele origin: germline. Affected: yes.
Comment: Not observed at a significant frequency in large population cohorts (Lek et al., 2016); In silico analysis, which includes protein predictors and evolutionary conservation, supports a deleterious effect; Has not been previously published as pathogenic or benign to our knowledge